The following is an entry in ClinVar:

ClinVar aggregate classification (germline): Pathogenic (1 of 4 stars; one submission).

Conditions:
Hereditary cancer-predisposing syndrome. Also called: Neoplastic Syndromes, Hereditary; Tumor predisposition; Hereditary Cancer Syndrome; Hereditary neoplastic syndrome. Identifiers: Orphanet 140162, MedGen C0027672, MeSH D009386, MONDO:0015356.

Submission:

Ambry Genetics
Classification: Pathogenic for Hereditary cancer-predisposing syndrome. Last evaluated: 2022-04-07. Review status: criteria provided, single submitter. Criteria: Ambry Variant Classification Scheme 2023. Collection method: clinical testing. Allele origin: germline.
Comment: The c.382dupG pathogenic mutation, located in coding exon 4 of the FH gene, results from a duplication of G at nucleotide position 382, causing a translational frameshift with a predicted alternate stop codon (p.A128Gfs*2). This variant is considered to be rare based on population cohorts in the Genome Aggregation Database (gnomAD). This alteration is expected to result in loss of function by premature protein truncation or nonsense-mediated mRNA decay. As such, this alteration is interpreted as a disease-causing mutation.

NM_000143.4(FH):c.382dup (p.Ala128fs)

Gene: FH (fumarate hydratase; minus strand). Cytogenetic location: 1q43.
Variant type: Duplication.
Coding change: c.382dup on transcript NM_000143.4 (MANE Select); coding-DNA position 382, one base duplicated (G; older notation c.382dupG).
Protein change: p.Ala128fs; shifts the reading frame from alanine 128.
Molecular consequence: frameshift variant.
Genome position (GRCh38, 1-based): chr1:241,512,140, C duplicated on the plus strand (G on the coding strand, the reverse complement: FH is on the minus strand). VCF-style (leftmost placement, unchanged base first): chr1-241512139-G-GC. GRCh37 (hg19) VCF-style: chr1-241675439-G-GC.
Other names: c.382dupG (NM_000143.3); short protein forms A128fs.
Identifiers: ClinVar variation 1735334 (VCV001735334.2), dbSNP rs2527332897, ClinGen allele CA2580063455.